The following is an entry in ClinVar:

NM_005802.5(TOPORS):c.94C>G (p.Arg32Gly)

Gene: TOPORS (TOP1 binding arginine/serine rich protein, E3 ubiquitin ligase; minus strand). Cytogenetic location: 9p21.1.
Variant type: single nucleotide variant.
Coding change: c.94C>G on transcript NM_005802.5 (MANE Select); coding-DNA position 94, C replaced by G.
Protein change: p.Arg32Gly; replaces arginine 32 with glycine.
Molecular consequence: missense variant. On other transcripts: intron variant (1).
Genome position (GRCh38, 1-based): chr9:32,550,878, G>C on the plus strand (C>G on the coding strand, the complement: TOPORS is on the minus strand). VCF-style: chr9-32550878-G-C. GRCh37 (hg19) VCF-style: chr9-32550876-G-C.
Other names: c.3+1556C>G (NM_001195622.2); short protein forms R32G.
Identifiers: ClinVar variation 2757532 (VCV002757532.3), dbSNP rs761156802, ClinGen allele CA373173603.
Genomic context (GRCh38, chr9:32,550,878, plus strand): 5'-GCTCCCGGCAGCCCAGAAAGCTAGGTCGGTGTCGGCAGGATCCGCGAAGGCGTACCCGGC[G>C]ACTTCTCCGCCTACCCTCCGAAGCGGGAGCAGGCGGGGGCGCTTCACCCTCCTCGCGAGA-3'
Protein context (NP_005793.2, residues 22-42): APASEGRRRS[Arg32Gly]RVRLRGSCRH

ClinVar aggregate classification (germline): Uncertain significance (1 of 4 stars; one submission).

Submission:

Labcorp Genetics (formerly Invitae), Labcorp
Classification: Uncertain significance. Last evaluated: 2023-09-03. Review status: criteria provided, single submitter. Criteria: Invitae Variant Classification Sherloc (09022015). Collection method: clinical testing. Allele origin: germline.
Comment: An algorithm developed to predict the effect of missense changes on protein structure and function (PolyPhen-2) suggests that this variant is likely to be disruptive. This variant has not been reported in the literature in individuals affected with TOPORS-related conditions. This variant is not present in population databases (gnomAD no frequency). This sequence change replaces arginine, which is basic and polar, with glycine, which is neutral and non-polar, at codon 32 of the TOPORS protein (p.Arg32Gly). In summary, the available evidence is currently insufficient to determine the role of this variant in disease. Therefore, it has been classified as a Variant of Uncertain Significance.